The following is an entry in ClinVar:

ClinVar aggregate classification (germline): Uncertain significance (1 of 4 stars; one submission).

Conditions:
GNAS-related disorder. Identifiers: MedGen CN380105.

Submission:

PreventionGenetics, part of Exact Sciences
Classification: Uncertain significance for GNAS-related condition. Last evaluated: 2023-10-10. Review status: criteria provided, single submitter. Criteria: ACMG Guidelines, 2015. Collection method: clinical testing. Allele origin: germline.
Comment: The GNAS c.72A>G variant is predicted to result in the amino acid substitution p.Ile24Met. To our knowledge, this variant has not been reported in the literature or in a large population database, indicating this variant is rare. At this time, the clinical significance of this variant is uncertain due to the absence of conclusive functional and genetic evidence.

NM_016592.5(GNAS):c.72A>G (p.Ile24Met)

Genes: GNAS (GNAS complex locus; plus strand), GNAS-AS1 (GNAS antisense RNA 1; minus strand). Cytogenetic location: 20q13.32.
Variant type: single nucleotide variant.
Coding change: c.72A>G on transcript NM_016592.5 (MANE Plus Clinical); coding-DNA position 72, A replaced by G.
Protein change: p.Ile24Met; replaces isoleucine 24 with methionine.
Molecular consequence: missense variant. On other transcripts: 5 prime UTR variant (1).
Genome position (GRCh38, 1-based): chr20:58,840,178, A>G. VCF-style: chr20-58840178-A-G. GRCh37 (hg19) VCF-style: chr20-57415233-A-G.
Other names: c.-666A>G (NM_001410912.1); short protein forms I24M.
Identifiers: ClinVar variation 2633317 (VCV002633317.1), dbSNP rs2516255261, ClinGen allele CA409450772.